The following is an entry in ClinVar:

ClinVar aggregate classification (germline): Pathogenic (1 of 4 stars; one submission).

Submission:

Labcorp Genetics (formerly Invitae), Labcorp
Classification: Pathogenic. Last evaluated: 2022-09-19. Review status: criteria provided, single submitter. Criteria: Invitae Variant Classification Sherloc (09022015). Collection method: clinical testing. Allele origin: germline.
Comment: For these reasons, this variant has been classified as Pathogenic. ClinVar contains an entry for this variant (Variation ID: 410783). This variant has not been reported in the literature in individuals affected with RINT1-related conditions. This variant is not present in population databases (gnomAD no frequency). This sequence change creates a premature translational stop signal (p.Met450Asnfs*16) in the RINT1 gene. It is expected to result in an absent or disrupted protein product. Loss-of-function variants in RINT1 are known to be pathogenic (PMID: 31204009).

Literature cited by the submitters: PubMed 31204009.

NM_021930.6(RINT1):c.1348dup (p.Met450fs)

Gene: RINT1 (RAD50 interactor 1; plus strand). Cytogenetic location: 7q22.3.
Variant type: Duplication.
Coding change: c.1348dup on transcript NM_021930.6 (MANE Select); coding-DNA position 1348, one base duplicated (A; older notation c.1348dupA).
Protein change: p.Met450fs; shifts the reading frame from methionine 450.
Molecular consequence: frameshift variant. On other transcripts: non-coding transcript variant (1).
Genome position (GRCh38, 1-based): chr7:105,551,584, A duplicated; the last of 6 consecutive A bases (chr7:105,551,579-105,551,584); duplicating any one gives the same sequence. VCF-style (leftmost placement, unchanged base first): chr7-105551578-C-CA. GRCh37 (hg19) VCF-style: chr7-105192025-C-CA.
Other names: c.1114dup, p.Met372fs (NM_001346599.2); c.325dup, p.Met109fs (NM_001346600.2, NM_001346603.2); c.424dup, p.Met142fs (NM_001346601.2); short protein forms M142fs, M450fs, M109fs, M372fs.
Identifiers: ClinVar variation 410783 (VCV000410783.10), dbSNP rs1554363883, ClinGen allele CA16612118.